The following is an entry in ClinVar:

NM_001083619.3(GRIA2):c.2230G>T (p.Val744Phe)

Gene: GRIA2 (glutamate ionotropic receptor AMPA type subunit 2; plus strand). Cytogenetic location: 4q32.1.
Variant type: single nucleotide variant.
Coding change: c.2230G>T on transcript NM_001083619.3 (MANE Select); coding-DNA position 2230, G replaced by T.
Protein change: p.Val744Phe; replaces valine 744 with phenylalanine.
Molecular consequence: missense variant.
Genome position (GRCh38, 1-based): chr4:157,360,082, G>T. VCF-style: chr4-157360082-G-T. GRCh37 (hg19) VCF-style: chr4-158281234-G-T.
Other names: c.2230G>T, p.Val744Phe (NM_000826.6); c.2089G>T, p.Val697Phe (NM_001083620.3, NM_001379000.3, NM_001379001.3); short protein forms V697F, V744F.
Identifiers: ClinVar variation 2633363 (VCV002633363.1), dbSNP rs1736569316, ClinGen allele CA358650192.
Genomic context (GRCh38, chr4:157,360,082, plus strand): 5'-TTGTTGGAGTCCACGATGAACGAGTACATTGAGCAAAGGAAGCCTTGCGACACCATGAAA[G>T]TTGGTGGAAACCTGGATTCCAAAGGCTATGGCATCGCAACACCTAAAGGATCCTCATTAA-3'
Protein context (NP_001077088.2, residues 734-754): EQRKPCDTMK[Val744Phe]GGNLDSKGYG

ClinVar aggregate classification (germline): Uncertain significance (1 of 4 stars; one submission).

Conditions:
GRIA2-related disorder. Also called: GRIA2-related condition.

Submission:

PreventionGenetics, part of Exact Sciences
Classification: Uncertain significance for GRIA2-related condition. Last evaluated: 2023-03-28. Review status: criteria provided, single submitter. Criteria: ACMG Guidelines, 2015. Collection method: clinical testing. Allele origin: germline.
Comment: The GRIA2 c.2230G>T variant is predicted to result in the amino acid substitution p.Val744Phe. To our knowledge, this variant has not been reported in the literature or in a large population database, indicating this variant is rare. At this time, the clinical significance of this variant is uncertain due to the absence of conclusive functional and genetic evidence.